The following is an entry in ClinVar:

NM_012310.5(KIF4A):c.3221A>G (p.Lys1074Arg)

Gene: KIF4A (kinesin family member 4A; plus strand). Cytogenetic location: Xq13.1.
Variant type: single nucleotide variant.
Coding change: c.3221A>G on transcript NM_012310.5 (MANE Select); coding-DNA position 3221, A replaced by G.
Protein change: p.Lys1074Arg; replaces lysine 1074 with arginine.
Molecular consequence: missense variant.
Genome position (GRCh38, 1-based): chrX:70,407,041, A>G. VCF-style: chrX-70407041-A-G. GRCh37 (hg19) VCF-style: chrX-69626891-A-G.
Other names: short protein forms K1074R.
Identifiers: ClinVar variation 4056908 (VCV004056908.1).

ClinVar aggregate classification (germline): Uncertain significance (1 of 4 stars; one submission).

gnomAD v4.1: 5 of 1,200,756 alleles (0.00042%); highest among the groups gnomAD compares: African/African-American, 0.0053%; no homozygotes.

Submission:

GeneDx
Classification: Uncertain significance. Last evaluated: 2025-01-08. Review status: criteria provided, single submitter. Criteria: GeneDx Variant Classification Process June 2021. Collection method: clinical testing. Allele origin: germline. Affected: yes.
Comment: In silico analysis indicates that this missense variant does not alter protein structure/function; Has not been previously published as pathogenic or benign to our knowledge